The following is an entry in ClinVar:

NM_003742.4(ABCB11):c.3458G>A (p.Arg1153His)

Gene: ABCB11 (ATP binding cassette subfamily B member 11; minus strand). Cytogenetic location: 2q31.1.
Variant type: single nucleotide variant.
Coding change: c.3458G>A on transcript NM_003742.4 (MANE Select); coding-DNA position 3458, G replaced by A.
Protein change: p.Arg1153His; replaces arginine 1153 with histidine.
Molecular consequence: missense variant.
Genome position (GRCh38, 1-based): chr2:168,927,316, C>T on the plus strand (G>A on the coding strand, the complement: ABCB11 is on the minus strand). VCF-style: chr2-168927316-C-T. GRCh37 (hg19) VCF-style: chr2-169783826-C-T.
Other names: c.3458G>A (NM_003742.2); short protein forms R1153H.
Identifiers: ClinVar variation 1076791 (VCV001076791.18), dbSNP rs748862206, ClinGen allele CA1951009.

ClinVar aggregate classification (germline): Pathogenic/Likely pathogenic. Review status: criteria provided, multiple submitters, no conflicts (2 of 4 stars). 8 submissions from 8 submitters: Pathogenic (6); Likely pathogenic (2). Last evaluated 2026-04-14.

Conditions:
Familial intrahepatic cholestasis. Identifiers: Orphanet 284385, MedGen CN296401, MONDO:0017290.
Benign recurrent intrahepatic cholestasis type 2 (BRIC2). Also called: Recurrent familial intrahepatic cholestasis 2. Identifiers: Orphanet 65682, Orphanet 99961, MedGen C2608083, MONDO:0011559, OMIM 605479.
Progressive familial intrahepatic cholestasis type 2. Identifiers: Orphanet 79304, MedGen C3489789, MONDO:0011156, OMIM 601847.
ABCB11-related disorder. Also called: ABCB11-related condition.

Allele frequency attached by ClinVar (database versions not stated): ExAC 0.00001; gnomAD exomes 0.00001.
gnomAD v4.1: 10 of 1,613,842 alleles (0.00062%); highest among the groups gnomAD compares: East Asian, 0.0022%; no homozygotes.

Submissions (8):

Genomenon, Inc
Classification: Likely pathogenic for Familial intrahepatic cholestasis. Last evaluated: 2026-04-14. Review status: criteria provided, single submitter. Criteria: Genomenon Sequence Variant Interpretation Standards - Updated. Collection method: curation. Allele origin: germline. Affected: yes.
Comment: ABCB11 p.Arg1153His (c.3458G>A) is a missense variant that changes the amino acid at residue 1153 from Arginine to Histidine. This variant has been observed in at least one proband with an ABCB11-related disorder (PMID:35780807;32808743;32087350;29316097;18395098;26678486;24627769). It has been observed in trans with a pathogenic or likely pathogenic variant (PMID:32808743;29316097;26678486). Functional studies have been reported (PMID:19101985). It is absent or not present at a significant frequency in gnomAD. In silico models predict that this variant is possibly or probably damaging. In conclusion, we classify ABCB11 p.Arg1153His (c.3458G>A) as a likely pathogenic variant.

Natera, Inc.
Classification: Pathogenic for Progressive familial intrahepatic cholestasis type 2. Last evaluated: 2025-11-16. Review status: criteria provided, single submitter. Criteria: Natera Variant Classification Schema (03/2026). Collection method: clinical testing. Allele origin: germline.
Comment: The c.3458G>A variant in ABCB11 is a missense variant predicted to cause substitution of arginine to histidine at amino acid 1153. This variant is rare in the general population with a frequency below the threshold expected for the associated phenotype(s). This variant has been observed in one or more individuals affected with the associated recessive disease, as either homozygous or compound heterozygous with a second variant (PMID: 32808743). Given the available evidence, this variant is classified as Pathogenic.

3billion
Classification: Pathogenic for Benign recurrent intrahepatic cholestasis type 2. Last evaluated: 2025-04-09. Review status: criteria provided, single submitter. Criteria: ACMG Guidelines, 2015. Collection method: clinical testing. Allele origin: germline. Affected: yes.

PreventionGenetics, part of Exact Sciences
Classification: Pathogenic for ABCB11-related condition. Last evaluated: 2024-10-23. Review status: criteria provided, single submitter. Criteria: ACMG Guidelines, 2015. Collection method: clinical testing. Allele origin: germline.
Comment: The ABCB11 c.3458G>A variant is predicted to result in the amino acid substitution p.Arg1153His. This variant has been reported in the homozygous state or with a second ABCB11 variant in individuals with familial progressive intrahepatic cholestasis (see, for example, Strautnieks et al. 2008. PubMed ID: 18395098; McKay et al. 2013. PubMed ID: 24627769; Li et al. 2020. PubMed ID: 32808743). RT-PCR indicates this variant impacts mRNA splicing (Byrne et al. 2009. PubMed ID: 19101985). This variant is reported in 0.0056% of alleles in individuals of East Asian descent in gnomAD. Another missense variant affecting the same amino acid (p.Arg1153Cys) has also been reported in individuals with familial progressive intrahepatic cholestasis (Strautnieks et al. 1998. PubMed ID: 9806540). This variant is interpreted as pathogenic.

Labcorp Genetics (formerly Invitae), Labcorp
Classification: Pathogenic. Last evaluated: 2023-04-11. Review status: criteria provided, single submitter. Criteria: Invitae Variant Classification Sherloc (09022015). Collection method: clinical testing. Allele origin: germline.
Comment: For these reasons, this variant has been classified as Pathogenic. This variant disrupts the p.Arg1153 amino acid residue in ABCB11. Other variant(s) that disrupt this residue have been determined to be pathogenic (PMID: 9806540, 12370274, 18395098, 20232290, 26678486, 27050426). This suggests that this residue is clinically significant, and that variants that disrupt this residue are likely to be disease-causing. Algorithms developed to predict the effect of sequence changes on RNA splicing suggest that this variant may create or strengthen a splice site. Experimental studies have shown that this missense change affects ABCB11 function (PMID: 19101985). Advanced modeling of protein sequence and biophysical properties (such as structural, functional, and spatial information, amino acid conservation, physicochemical variation, residue mobility, and thermodynamic stability) performed at Invitae indicates that this missense variant is expected to disrupt ABCB11 protein function. ClinVar contains an entry for this variant (Variation ID: 1076791). This missense change has been observed in individuals with ABCB11-related conditions (PMID: 18395098). This variant is present in population databases (rs748862206, gnomAD 0.006%). This sequence change replaces arginine, which is basic and polar, with histidine, which is basic and polar, at codon 1153 of the ABCB11 protein (p.Arg1153His).

Baylor Genetics
Classification: Pathogenic for Benign recurrent intrahepatic cholestasis type 2. Last evaluated: 2022-05-27. Review status: criteria provided, single submitter. Criteria: ACMG Guidelines, 2015. Collection method: clinical testing. Allele origin: unknown.

Revvity Omics, Revvity
Classification: Likely pathogenic. Last evaluated: 2021-09-23. Review status: criteria provided, single submitter. Criteria: ACMG Guidelines, 2015. Collection method: clinical testing. Allele origin: germline.

Rolfs Rare Disease Consulting, Rolfs Consulting Und Verwaltungs GmbH
Classification: Pathogenic for Progressive familial intrahepatic cholestasis type 2. Last evaluated: 2021-01-01. Review status: criteria provided, single submitter. Criteria: ACMG Guidelines, 2015. Collection method: clinical testing. Allele origin: germline. Affected: yes.

Literature cited by the submitters: PubMed 35780807 (cited by Genomenon, Inc); PubMed 32808743 (cited by Genomenon, Inc and Natera, Inc.); PubMed 32087350 (cited by Genomenon, Inc); PubMed 29316097 (cited by Genomenon, Inc); PubMed 18395098 (cited by 3 submitters); PubMed 26678486 (cited by Genomenon, Inc and Labcorp Genetics (formerly Invitae), Labcorp); PubMed 24627769 (cited by Genomenon, Inc); PubMed 19101985 (cited by 3 submitters); PubMed 9806540 (cited by 3billion and Labcorp Genetics (formerly Invitae), Labcorp); PubMed 12370274 (cited by Labcorp Genetics (formerly Invitae), Labcorp); PubMed 20232290 (cited by Labcorp Genetics (formerly Invitae), Labcorp); PubMed 27050426 (cited by Labcorp Genetics (formerly Invitae), Labcorp).